The following is an entry in ClinVar:

ClinVar aggregate classification (germline): Pathogenic/Likely pathogenic. Review status: criteria provided, multiple submitters, no conflicts (2 of 4 stars). 3 submissions from 3 submitters: Pathogenic (2); Likely pathogenic (1). Last evaluated 2025-11-13.

Conditions:
Hereditary breast ovarian cancer syndrome. Also called: Hereditary breast and ovarian cancer; Hereditary breast and ovarian cancer syndrome (HBOC); Hereditary breast and/or ovarian cancer syndrome; Hereditary breast and ovarian cancer syndrome; Breast and ovarian cancer; BRCA1- and BRCA2-Associated Hereditary Breast and Ovarian Cancer. Identifiers: Orphanet 145, MedGen C0677776, MeSH D061325, MONDO:0003582. Disease mechanism: loss of function.
Hereditary cancer-predisposing syndrome. Also called: Tumor predisposition; Neoplastic Syndromes, Hereditary; Hereditary neoplastic syndrome; Hereditary Cancer Syndrome. Identifiers: Orphanet 140162, MedGen C0027672, MeSH D009386, MONDO:0015356.

Submissions (3):

Ambry Genetics
Classification: Pathogenic for Hereditary cancer-predisposing syndrome. Last evaluated: 2025-11-13. Review status: criteria provided, single submitter. Criteria: Ambry Variant Classification Scheme 2023. Collection method: clinical testing. Allele origin: germline.
Comment: The c.4271_4295del25 pathogenic mutation, located in coding exon 11 of the BRCA1 gene, results from a deletion of 25 nucleotides at nucleotide positions 4271 to 4295, causing a translational frameshift with a predicted alternate stop codon (p.Q1424Pfs*2). This variant is considered to be rare based on population cohorts in the Genome Aggregation Database (gnomAD). This alteration is expected to result in loss of function by premature protein truncation or nonsense-mediated mRNA decay. As such, this alteration is interpreted as a disease-causing mutation.

Labcorp Genetics (formerly Invitae), Labcorp
Classification: Pathogenic for Hereditary breast ovarian cancer syndrome. Last evaluated: 2023-02-24. Review status: criteria provided, single submitter. Criteria: Invitae Variant Classification Sherloc (09022015). Collection method: clinical testing. Allele origin: germline.
Comment: For these reasons, this variant has been classified as Pathogenic. ClinVar contains an entry for this variant (Variation ID: 993204). This variant has not been reported in the literature in individuals affected with BRCA1-related conditions. This variant is not present in population databases (gnomAD no frequency). This sequence change creates a premature translational stop signal (p.Gln1424Profs*2) in the BRCA1 gene. It is expected to result in an absent or disrupted protein product. Loss-of-function variants in BRCA1 are known to be pathogenic (PMID: 20104584).

Quest Diagnostics Nichols Institute San Juan Capistrano
Classification: Likely pathogenic. Last evaluated: 2020-07-31. Review status: criteria provided, single submitter. Criteria: Quest Diagnostics criteria. Collection method: clinical testing. Allele origin: unknown.
Comment: The variant results in a shift of the reading frame, and is therefore predicted to result in the loss of a functional protein. Not found in the total gnomAD dataset, and the data is high quality.

Literature cited by the submitters: PubMed 20104584 (cited by Labcorp Genetics (formerly Invitae), Labcorp).

NM_007294.4(BRCA1):c.4271_4295del (p.Gln1424fs)

Gene: BRCA1 (BRCA1 DNA repair associated; minus strand). Cytogenetic location: 17q21.31.
Variant type: Deletion.
Coding change: c.4271_4295del on transcript NM_007294.4 (MANE Select); coding-DNA positions 4271 to 4295, 25 bases deleted (AGCCTTCTAACAGCTACCCTTCCAT).
Protein change: p.Gln1424fs; shifts the reading frame from glutamine 1424.
Molecular consequence: frameshift variant. On other transcripts: non-coding transcript variant (1).
Genome position (GRCh38, 1-based): chr17:43,082,466-43,082,490, ATGGAAGGGTAGCTGTTAGAAGGCT deleted on the plus strand (AGCCTTCTAACAGCTACCCTTCCAT on the coding strand, the reverse complement: BRCA1 is on the minus strand). VCF-style (leftmost placement, unchanged base first): chr17-43082465-GATGGAAGGGTAGCTGTTAGAAGGCT-G. GRCh37 (hg19) VCF-style: chr17-41234482-GATGGAAGGGTAGCTGTTAGAAGGCT-G.
Other names: c.4058_4082del25, p.Gln1353Profs (NM_001407571.1, NM_001407853.1, NM_001407894.1 and 12 more transcripts); c.4271_4295del25, p.Gln1424Profs (NM_001407581.1, NM_001407582.1, NM_001407583.1 and 22 more transcripts); c.4268_4292del25, p.Gln1423Profs (NM_001407587.1, NM_001407590.1, NM_001407591.1 and 21 more transcripts); c.4265_4289del25, p.Gln1422Profs (NM_001407627.1, NM_001407628.1, NM_001407629.1 and 5 more transcripts); c.4259_4283del25, p.Gln1420Profs (NM_001407646.1, NM_001407647.1); c.4148_4172del25, p.Gln1383Profs (NM_001407648.1, NM_001407664.1, NM_001407665.1 and 13 more transcripts); c.4145_4169del25, p.Gln1382Profs (NM_001407649.1, NM_001407670.1, NM_001407671.1 and 12 more transcripts); c.4193_4217del25, p.Gln1398Profs (NM_001407653.1, NM_001407654.1, NM_001407655.1 and 2 more transcripts); and 54 more; short protein forms Q1377fs, Q1424fs, Q321fs.
Identifiers: ClinVar variation 993204 (VCV000993204.8), dbSNP rs2053050323, ClinGen allele CA1139665594.